The following is an entry in ClinVar:

NM_001004334.4(GPR179):c.6397T>C (p.Trp2133Arg)

Gene: GPR179 (G protein-coupled receptor 179; minus strand). Cytogenetic location: 17q12.
Variant type: single nucleotide variant.
Coding change: c.6397T>C on transcript NM_001004334.4 (MANE Select); coding-DNA position 6397, T replaced by C.
Protein change: p.Trp2133Arg; replaces tryptophan 2133 with arginine.
Molecular consequence: missense variant.
Genome position (GRCh38, 1-based): chr17:38,327,172, A>G on the plus strand (T>C on the coding strand, the complement: GPR179 is on the minus strand). VCF-style: chr17-38327172-A-G. GRCh37 (hg19) VCF-style: chr17-36483055-A-G.
Other names: short protein forms W2133R.
Identifiers: ClinVar variation 2006085 (VCV002006085.4), dbSNP rs775983557, ClinGen allele CA290102960.

ClinVar aggregate classification (germline): Uncertain significance (1 of 4 stars; one submission).

Allele frequency attached by ClinVar (database versions not stated): gnomAD exomes 0.00001; ExAC 0.00003.
gnomAD v4.1: 8 of 1,614,140 alleles (0.0005%); highest among the groups gnomAD compares: Non-Finnish European, 0.00059%; no homozygotes.

Submission:

Labcorp Genetics (formerly Invitae), Labcorp
Classification: Uncertain significance. Last evaluated: 2022-06-14. Review status: criteria provided, single submitter. Criteria: Invitae Variant Classification Sherloc (09022015). Collection method: clinical testing. Allele origin: germline.
Comment: This sequence change replaces tryptophan, which is neutral and slightly polar, with arginine, which is basic and polar, at codon 2133 of the GPR179 protein (p.Trp2133Arg). This variant is present in population databases (rs775983557, gnomAD 0.008%). This variant has not been reported in the literature in individuals affected with GPR179-related conditions. Algorithms developed to predict the effect of missense changes on protein structure and function output the following: SIFT: "Deleterious"; PolyPhen-2: "Benign"; Align-GVGD: "Class C0". The arginine amino acid residue is found in multiple mammalian species, which suggests that this missense change does not adversely affect protein function. In summary, the available evidence is currently insufficient to determine the role of this variant in disease. Therefore, it has been classified as a Variant of Uncertain Significance.